The following is an entry in ClinVar:

ClinVar aggregate classification (germline): Uncertain significance (1 of 4 stars; one submission).

Conditions:
Fanconi anemia (FA). Also called: Fanconi's anemia. Identifiers: Orphanet 84, MedGen C0015625, MeSH D005199, MONDO:0019391.

Submission:

Labcorp Genetics (formerly Invitae), Labcorp
Classification: Uncertain significance for Fanconi anemia. Last evaluated: 2020-10-13. Review status: criteria provided, single submitter. Criteria: Invitae Variant Classification Sherloc (09022015). Collection method: clinical testing. Allele origin: germline.
Comment: In summary, the available evidence is currently insufficient to determine the role of this variant in disease. Therefore, it has been classified as a Variant of Uncertain Significance. This variant has not been reported in the literature in individuals with FANCC-related conditions. This variant results in a copy number gain of the genomic region encompassing exon(s) 1-4 of the FANCC gene. This region includes the initiator codon of the gene. The 5' end of this event is unknown as it extends beyond the assayed region for this gene and therefore may encompass additional genes. The 3' boundary is likely confined to intron 4 of the FANCC gene. As the precise location of this event is unknown, it may be in tandem or it may be located elsewhere in the genome.

NC_000009.11:g.(?_98002921)_(98079991_?)dup

Gene: FANCC (FA complementation group C; minus strand). Cytogenetic location: 9q22.32.
Variant type: Duplication.
Identifiers: ClinVar variation 1019315 (VCV001019315.5).